The following is an entry in ClinVar:

NM_001113378.2(FANCI):c.1850C>G (p.Ser617Cys)

Gene: FANCI (FA complementation group I; plus strand). Cytogenetic location: 15q26.1.
Variant type: single nucleotide variant.
Coding change: c.1850C>G on transcript NM_001113378.2 (MANE Select); coding-DNA position 1850, C replaced by G.
Protein change: p.Ser617Cys; replaces serine 617 with cysteine.
Molecular consequence: missense variant.
Genome position (GRCh38, 1-based): chr15:89,290,241, C>G. VCF-style: chr15-89290241-C-G. GRCh37 (hg19) VCF-style: chr15-89833472-C-G.
Other names: c.1571C>G, p.Ser524Cys (NM_001376910.1); c.1850C>G, p.Ser617Cys (NM_001376911.1, NM_018193.3); short protein forms S617C, S524C.
Identifiers: ClinVar variation 456198 (VCV000456198.12), dbSNP rs749295501, ClinGen allele CA7723180.

ClinVar aggregate classification (germline): Uncertain significance. Review status: criteria provided, multiple submitters, no conflicts (2 of 4 stars). 2 submissions from 2 submitters: Uncertain significance (2). Last evaluated 2025-10-06.

Conditions:
Fanconi anemia (FA). Also called: Fanconi's anemia. Identifiers: Orphanet 84, MedGen C0015625, MeSH D005199, MONDO:0019391.
Fanconi anemia complementation group I (FANCI). Also called: FANCI-Related Fanconi Anemia. Identifiers: Orphanet 84, MedGen C1836861, MONDO:0012186, OMIM 609053.

Allele frequency attached by ClinVar (database versions not stated): gnomAD exomes 0.00001 and 0.00004; gnomAD 0.00002; TOPMed 0.00002; ExAC 0.00003.
gnomAD v4.1: 11 of 1,613,860 alleles (0.00068%); highest among the groups gnomAD compares: East Asian, 0.022%; no homozygotes.

Submissions (2):

Labcorp Genetics (formerly Invitae), Labcorp
Classification: Uncertain significance for Fanconi anemia. Last evaluated: 2025-10-06. Review status: criteria provided, single submitter. Criteria: Invitae Variant Classification Sherloc (09022015). Collection method: clinical testing. Allele origin: germline.
Comment: This sequence change replaces serine, which is neutral and polar, with cysteine, which is neutral and slightly polar, at codon 617 of the FANCI protein (p.Ser617Cys). This variant is present in population databases (rs749295501, gnomAD 0.06%). This variant has not been reported in the literature in individuals affected with FANCI-related conditions. ClinVar contains an entry for this variant (Variation ID: 456198). Invitae Evidence Modeling of protein sequence and biophysical properties (such as structural, functional, and spatial information, amino acid conservation, physicochemical variation, residue mobility, and thermodynamic stability) indicates that this missense variant is expected to disrupt FANCI protein function with a positive predictive value of 80%. In summary, the available evidence is currently insufficient to determine the role of this variant in disease. Therefore, it has been classified as a Variant of Uncertain Significance.

Fulgent Genetics
Classification: Uncertain significance for Fanconi anemia complementation group I. Last evaluated: 2021-11-03. Review status: criteria provided, single submitter. Criteria: ACMG Guidelines, 2015. Collection method: clinical testing. Allele origin: unknown.